The following is an entry in ClinVar:

NM_001365068.1(ASTN2):c.798G>A (p.Glu266=)

Gene: ASTN2 (astrotactin 2; minus strand). Cytogenetic location: 9q33.1.
Variant type: single nucleotide variant.
Coding change: c.798G>A on transcript NM_001365068.1 (MANE Select); coding-DNA position 798, G replaced by A.
Protein change: p.Glu266=; no amino-acid change (glutamic acid 266 retained).
Molecular consequence: synonymous variant.
Genome position (GRCh38, 1-based): chr9:117,214,575, C>T on the plus strand (G>A on the coding strand, the complement: ASTN2 is on the minus strand). VCF-style: chr9-117214575-C-T. GRCh37 (hg19) VCF-style: chr9-119976854-C-T.
Other names: c.798G>A, p.Glu266= (NM_001365069.1, NM_014010.5).
Identifiers: ClinVar variation 787707 (VCV000787707.5), dbSNP rs147282869, ClinGen allele CA5211904.

ClinVar aggregate classification (germline): Benign/Likely benign. Review status: criteria provided, multiple submitters, no conflicts (2 of 4 stars). 2 submissions from 2 submitters: Benign (1); Likely benign (1). Last evaluated 2026-01-02.

Conditions:
ASTN2-related disorder. Also called: ASTN2-related condition.

Allele frequency attached by ClinVar (database versions not stated): gnomAD exomes 0.00018 and 0.00043; ExAC 0.00052; 1000 Genomes Project 30x 0.00078; 1000 Genomes Project 0.00080; ESP Exome Variant Server 0.00161; gnomAD 0.00171 and 0.00188; TOPMed 0.00216.
gnomAD v4.1: 531 of 1,609,382 alleles (0.033%); highest among the groups gnomAD compares: African/African-American, 0.61%; 4 homozygotes.

Submissions (2):

PreventionGenetics, part of Exact Sciences
Classification: Likely benign for ASTN2-related condition. Last evaluated: 2026-01-02. Review status: criteria provided, single submitter. Criteria: ACMG Guidelines, 2015. Collection method: clinical testing. Allele origin: germline.
Comment: This variant is classified as likely benign based on ACMG/AMP sequence variant interpretation guidelines (Richards et al. 2015 PMID: 25741868, with internal and published modifications).

Labcorp Genetics (formerly Invitae), Labcorp
Classification: Benign. Last evaluated: 2019-12-31. Review status: criteria provided, single submitter. Criteria: Invitae Variant Classification Sherloc (09022015). Collection method: clinical testing. Allele origin: germline.